The following is an entry in ClinVar:

NM_012452.3(TNFRSF13B):c.571G>A (p.Asp191Asn)

Gene: TNFRSF13B (TNF receptor superfamily member 13B; minus strand). Cytogenetic location: 17p11.2.
Variant type: single nucleotide variant.
Coding change: c.571G>A on transcript NM_012452.3 (MANE Select); coding-DNA position 571, G replaced by A.
Protein change: p.Asp191Asn; replaces aspartic acid 191 with asparagine.
Molecular consequence: missense variant.
Genome position (GRCh38, 1-based): chr17:16,940,386, C>T on the plus strand (G>A on the coding strand, the complement: TNFRSF13B is on the minus strand). VCF-style: chr17-16940386-C-T. GRCh37 (hg19) VCF-style: chr17-16843700-C-T.
Other names: short protein forms D191N.
Identifiers: ClinVar variation 855767 (VCV000855767.6), dbSNP rs753867822, ClinGen allele CA288282966.

ClinVar aggregate classification (germline): Uncertain significance. Review status: criteria provided, multiple submitters, no conflicts (2 of 4 stars). 2 submissions from 2 submitters: Uncertain significance (2). Last evaluated 2026-05-14.

Conditions:
Immunodeficiency, common variable, 2 (CVID2). Also called: ANTIBODY DEFICIENCY DUE TO TACI DEFECT; HYPOGAMMAGLOBULINEMIA DUE TO TACI DEFICIENCY. Identifiers: Orphanet 1572, MedGen C3150354, MONDO:0009413, OMIM 240500.
Immunoglobulin A deficiency 2 (IGAD2). Identifiers: MedGen C1836032, MONDO:0012291, OMIM 609529.

Allele frequency attached by ClinVar (database versions not stated): TOPMed 0.00001.

Submissions (2):

Division of Clinical Immunology and Allergy, Necmettin Erbakan University, Faculty of Medicine
Classification: Uncertain significance for Immunodeficiency, common variable, 2; Immunoglobulin A deficiency 2. Last evaluated: 2026-05-14. Review status: criteria provided, single submitter. Criteria: ACMG Guidelines, 2015. Collection method: clinical testing. Allele origin: germline. Affected: yes. Observed: 1 variant allele.

Labcorp Genetics (formerly Invitae), Labcorp
Classification: Uncertain significance for Immunodeficiency, common variable, 2. Last evaluated: 2024-12-02. Review status: criteria provided, single submitter. Criteria: Invitae Variant Classification Sherloc (09022015). Collection method: clinical testing. Allele origin: germline.
Comment: This sequence change replaces aspartic acid, which is acidic and polar, with asparagine, which is neutral and polar, at codon 191 of the TNFRSF13B protein (p.Asp191Asn). This variant is present in population databases (no rsID available, gnomAD 0.007%). This missense change has been observed in individual(s) with TNFRSF13B-related conditions (PMID: 33859323, 34975878). ClinVar contains an entry for this variant (Variation ID: 855767). Invitae Evidence Modeling of protein sequence and biophysical properties (such as structural, functional, and spatial information, amino acid conservation, physicochemical variation, residue mobility, and thermodynamic stability) indicates that this missense variant is not expected to disrupt TNFRSF13B protein function with a negative predictive value of 95%. In summary, the available evidence is currently insufficient to determine the role of this variant in disease. Therefore, it has been classified as a Variant of Uncertain Significance.

Literature cited by the submitters: PubMed 33859323 (cited by Labcorp Genetics (formerly Invitae), Labcorp); PubMed 34975878 (cited by Labcorp Genetics (formerly Invitae), Labcorp).